The following is an entry in ClinVar:

ClinVar aggregate classification (germline): Benign/Likely benign. Review status: criteria provided, multiple submitters, no conflicts (2 of 4 stars). 3 submissions from 3 submitters: Benign (2); Likely benign (1). Last evaluated 2026-09-01.

Allele frequency attached by ClinVar (database versions not stated): 1000 Genomes Project 30x 0.00312; 1000 Genomes Project 0.00359; TOPMed 0.00371; ESP Exome Variant Server 0.00513; gnomAD exomes 0.00629 and 0.00684; ExAC 0.00647; gnomAD 0.00676 and 0.00684.

Submissions (3):

CeGaT Center for Human Genetics Tuebingen
Classification: Likely benign. Last evaluated: 2026-09-01. Review status: criteria provided, single submitter. Criteria: CeGaT Center For Human Genetics Tuebingen Variant Classification Criteria Version 2. Collection method: clinical testing. Allele origin: germline. Affected: yes. Observed: 14 variant alleles.
Comment: MPDZ: BP4, BS2

Labcorp Genetics (formerly Invitae), Labcorp
Classification: Benign. Last evaluated: 2026-01-28. Review status: criteria provided, single submitter. Criteria: Invitae Variant Classification Sherloc (09022015). Collection method: clinical testing. Allele origin: germline.

Breakthrough Genomics
Classification: Benign. Review status: criteria provided, single submitter. Criteria: ACMG Guidelines, 2015. Collection method: not provided. Allele origin: germline. Inheritance: Autosomal recessive inheritance. Affected: yes.

NM_001378778.1(MPDZ):c.325G>T (p.Gly109Cys)

Gene: MPDZ (multiple PDZ domain crumbs cell polarity complex component; minus strand). Cytogenetic location: 9p23.
Variant type: single nucleotide variant.
Coding change: c.325G>T on transcript NM_001378778.1 (MANE Select); coding-DNA position 325, G replaced by T.
Protein change: p.Gly109Cys; replaces glycine 109 with cysteine.
Molecular consequence: missense variant.
Genome position (GRCh38, 1-based): chr9:13,224,442, C>A on the plus strand (G>T on the coding strand, the complement: MPDZ is on the minus strand). VCF-style: chr9-13224442-C-A. GRCh37 (hg19) VCF-style: chr9-13224441-C-A.
Other names: c.325G>T, p.Gly109Cys (NM_001261406.2, NM_001261407.2, NM_001330637.2 and 14 more transcripts); short protein forms G109C.
Identifiers: ClinVar variation 777638 (VCV000777638.40), dbSNP rs61753782, ClinGen allele CA4988160.